The following is an entry in ClinVar:

NM_000535.7(PMS2):c.2499C>G (p.His833Gln)

Gene: PMS2 (PMS1 homolog 2, mismatch repair system component; minus strand). Cytogenetic location: 7p22.1.
Variant type: single nucleotide variant.
Coding change: c.2499C>G on transcript NM_000535.7 (MANE Select); coding-DNA position 2499, C replaced by G.
Protein change: p.His833Gln; replaces histidine 833 with glutamine.
Molecular consequence: missense variant. On other transcripts: non-coding transcript variant (1).
Genome position (GRCh38, 1-based): chr7:5,973,489, G>C on the plus strand (C>G on the coding strand, the complement: PMS2 is on the minus strand). VCF-style: chr7-5973489-G-C. GRCh37 (hg19) VCF-style: chr7-6013120-G-C.
Other names: c.2094C>G, p.His698Gln (NM_001322003.2, NM_001322004.2, NM_001322005.2); c.2343C>G, p.His781Gln (NM_001322006.2); c.2181C>G, p.His727Gln (NM_001322007.2, NM_001322008.2); c.2127C>G, p.His709Gln (NM_001322009.2); c.1938C>G, p.His646Gln (NM_001322010.2); c.1566C>G, p.His522Gln (NM_001322011.2, NM_001322012.2); c.1926C>G, p.His642Gln (NM_001322013.2); c.2532C>G, p.His844Gln (NM_001322014.2); and 1 more; short protein forms H522Q, H642Q, H646Q, H698Q, H709Q, H727Q, H730Q, H781Q.
Identifiers: ClinVar variation 1056506 (VCV001056506.13), dbSNP rs876659564, ClinGen allele CA366734929.

ClinVar aggregate classification (germline): Uncertain significance. Review status: criteria provided, multiple submitters, no conflicts (2 of 4 stars). 3 submissions from 3 submitters: Uncertain significance (3). Last evaluated 2025-02-18.

Conditions:
Hereditary nonpolyposis colorectal neoplasms. Identifiers: MedGen C0009405, MeSH D003123.
Hereditary cancer-predisposing syndrome. Also called: Hereditary Cancer Syndrome; Tumor predisposition; Hereditary neoplastic syndrome; Neoplastic Syndromes, Hereditary. Identifiers: Orphanet 140162, MedGen C0027672, MeSH D009386, MONDO:0015356.

Submissions (3):

GeneDx
Classification: Uncertain significance. Last evaluated: 2025-02-18. Review status: criteria provided, single submitter. Criteria: GeneDx Variant Classification Process June 2021. Collection method: clinical testing. Allele origin: germline. Affected: yes.
Comment: Not observed at significant frequency in large population cohorts (gnomAD); In silico analysis supports that this missense variant has a deleterious effect on protein structure/function; Has not been previously published as pathogenic or benign to our knowledge; This variant is associated with the following publications: (PMID: Fukui2011[Chapter])

Ambry Genetics
Classification: Uncertain significance for Hereditary cancer-predisposing syndrome. Last evaluated: 2024-05-14. Review status: criteria provided, single submitter. Criteria: Ambry Variant Classification Scheme 2023. Collection method: clinical testing. Allele origin: germline.
Comment: The p.H833Q variant (also known as c.2499C>G), located in coding exon 15 of the PMS2 gene, results from a C to G substitution at nucleotide position 2499. The histidine at codon 833 is replaced by glutamine, an amino acid with highly similar properties. This amino acid position is highly conserved in available vertebrate species. In addition, the in silico prediction for this alteration is inconclusive. Since supporting evidence is limited at this time, the clinical significance of this alteration remains unclear.

Labcorp Genetics (formerly Invitae), Labcorp
Classification: Uncertain significance for Hereditary nonpolyposis colorectal neoplasms. Last evaluated: 2024-02-02. Review status: criteria provided, single submitter. Criteria: Invitae Variant Classification Sherloc (09022015). Collection method: clinical testing. Allele origin: germline.
Comment: This sequence change replaces histidine, which is basic and polar, with glutamine, which is neutral and polar, at codon 833 of the PMS2 protein (p.His833Gln). The frequency data for this variant in the population databases (gnomAD) is considered unreliable due to the presence of homologous sequence, such as pseudogenes or paralogs, in the genome. This variant has not been reported in the literature in individuals affected with PMS2-related conditions. ClinVar contains an entry for this variant (Variation ID: 1056506). Advanced modeling of protein sequence and biophysical properties (such as structural, functional, and spatial information, amino acid conservation, physicochemical variation, residue mobility, and thermodynamic stability) has been performed at Invitae for this missense variant, however the output from this modeling did not meet the statistical confidence thresholds required to predict the impact of this variant on PMS2 protein function. In summary, the available evidence is currently insufficient to determine the role of this variant in disease. Therefore, it has been classified as a Variant of Uncertain Significance.